The following is an entry in ClinVar:

ClinVar aggregate classification (germline): Uncertain significance (1 of 4 stars; one submission).

Conditions:
Hereditary cancer-predisposing syndrome. Also called: Tumor predisposition; Neoplastic Syndromes, Hereditary; Hereditary neoplastic syndrome; Hereditary Cancer Syndrome. Identifiers: Orphanet 140162, MedGen C0027672, MeSH D009386, MONDO:0015356.

Submission:

Ambry Genetics
Classification: Uncertain significance for Hereditary cancer-predisposing syndrome. Last evaluated: 2025-08-01. Review status: criteria provided, single submitter. Criteria: Ambry Variant Classification Scheme 2023. Collection method: clinical testing. Allele origin: germline.
Comment: The p.S187F variant (also known as c.560C>T), located in coding exon 3 of the KIT gene, results from a C to T substitution at nucleotide position 560. The serine at codon 187 is replaced by phenylalanine, an amino acid with highly dissimilar properties. This amino acid position is conserved. In addition, this alteration is predicted to be tolerated by in silico analysis. Based on the available evidence, the clinical significance of this variant remains unclear.

NM_000222.3(KIT):c.560C>T (p.Ser187Phe)

Gene: KIT (KIT proto-oncogene, receptor tyrosine kinase; plus strand). Cytogenetic location: 4q12.
Variant type: single nucleotide variant.
Coding change: c.560C>T on transcript NM_000222.3 (MANE Select); coding-DNA position 560, C replaced by T.
Protein change: p.Ser187Phe; replaces serine 187 with phenylalanine.
Molecular consequence: missense variant.
Genome position (GRCh38, 1-based): chr4:54,698,506, C>T. VCF-style: chr4-54698506-C-T. GRCh37 (hg19) VCF-style: chr4-55564672-C-T.
Other names: c.560C>T, p.Ser187Phe (NM_001093772.2, NM_001385284.1, NM_001385285.1 and 4 more transcripts); short protein forms S187F.
Identifiers: ClinVar variation 4093186 (VCV004093186.1).
Genomic context (GRCh38, chr4:54,698,506, plus strand): 5'-AGGCGGGCATCATGATCAAAAGTGTGAAACGCGCCTACCATCGGCTCTGTCTGCATTGTT[C>T]TGTGGACCAGGAGGGCAAGTCAGTGCTGTCGGAAAAATTCATCCTGAAAGTGAGGCCAGG-3'
Protein context (NP_000213.1, residues 177-197): RAYHRLCLHC[Ser187Phe]VDQEGKSVLS